The following is an entry in ClinVar:

NM_001369.3(DNAH5):c.9999del (p.Val3334fs)

Gene: DNAH5 (dynein axonemal heavy chain 5; minus strand). Cytogenetic location: 5p15.2.
Variant type: Deletion.
Coding change: c.9999del on transcript NM_001369.3 (MANE Select); coding-DNA position 9999, one base deleted (A; older notation c.9999delA).
Protein change: p.Val3334fs; shifts the reading frame from valine 3334.
Molecular consequence: frameshift variant.
Genome position (GRCh38, 1-based): chr5:13,766,078, T deleted on the plus strand (A on the coding strand, the reverse complement: DNAH5 is on the minus strand); the first of 3 consecutive T bases (chr5:13,766,078-13,766,080); deleting any one gives the same sequence. VCF-style (leftmost placement, unchanged base first): chr5-13766077-CT-C. GRCh37 (hg19) VCF-style: chr5-13766186-CT-C.
Other names: short protein forms V3334fs.
Identifiers: ClinVar variation 5012833 (VCV005012833.1).

ClinVar aggregate classification (germline): Pathogenic (1 of 4 stars; one submission).

Conditions:
Primary ciliary dyskinesia 3. Identifiers: Orphanet 244, MedGen C1837618, MONDO:0012085, OMIM 608644.

Submission:

Myriad Genetics, Inc.
Classification: Pathogenic for Primary ciliary dyskinesia 3. Last evaluated: 2024-03-20. Review status: criteria provided, single submitter. Criteria: Myriad Autosomal Dominant, Autosomal Recessive and X-Linked Classification Criteria (2023). Collection method: clinical testing. Allele origin: unknown.
Comment: NM_001369.2(DNAH5):c.9999delA(V3334Sfs*4) is expected to be pathogenic in the context of primary ciliary dyskinesia, DNAH5-related. This variant is predicted to lead to an abnormal or absent protein product due to the creation of a premature termination codon in DNAH5, a gene where loss-of-function variants are known to be pathogenic. Please note: this variant was assessed in the context of healthy population screening.